The following is an entry in ClinVar:

ClinVar aggregate classification (germline): Uncertain significance. Review status: criteria provided, multiple submitters, no conflicts (2 of 4 stars). 2 submissions from 2 submitters: Uncertain significance (2). Last evaluated 2024-10-08.

Conditions:
Hereditary cancer-predisposing syndrome. Also called: Neoplastic Syndromes, Hereditary; Tumor predisposition; Hereditary Cancer Syndrome; Hereditary neoplastic syndrome. Identifiers: Orphanet 140162, MedGen C0027672, MeSH D009386, MONDO:0015356.

Submissions (2):

Ambry Genetics
Classification: Uncertain significance for Hereditary cancer-predisposing syndrome. Last evaluated: 2024-10-08. Review status: criteria provided, single submitter. Criteria: Ambry Variant Classification Scheme 2023. Collection method: clinical testing. Allele origin: germline.
Comment: The p.K116E variant (also known as c.346A>G), located in coding exon 5 of the BAP1 gene, results from an A to G substitution at nucleotide position 346. The lysine at codon 116 is replaced by glutamic acid, an amino acid with similar properties. This amino acid position is conserved. In addition, this alteration is predicted to be deleterious by in silico analysis. Based on the available evidence, the clinical significance of this variant remains unclear.

Color Diagnostics, LLC DBA Color Health
Classification: Uncertain significance for Hereditary cancer-predisposing syndrome. Last evaluated: 2019-06-28. Review status: criteria provided, single submitter. Criteria: ACMG Guidelines, 2015. Collection method: clinical testing. Allele origin: germline.

NM_004656.4(BAP1):c.346A>G (p.Lys116Glu)

Gene: BAP1 (BRCA1 associated deubiquitinase 1; minus strand). Cytogenetic location: 3p21.1.
Variant type: single nucleotide variant.
Coding change: c.346A>G on transcript NM_004656.4 (MANE Select); coding-DNA position 346, A replaced by G.
Protein change: p.Lys116Glu; replaces lysine 116 with glutamic acid.
Molecular consequence: missense variant.
Genome position (GRCh38, 1-based): chr3:52,407,987, T>C on the plus strand (A>G on the coding strand, the complement: BAP1 is on the minus strand). VCF-style: chr3-52407987-T-C. GRCh37 (hg19) VCF-style: chr3-52442003-T-C.
Other names: c.346A>G (NM_004656.2); short protein forms K116E.
Identifiers: ClinVar variation 921462 (VCV000921462.3), dbSNP rs1705219727, ClinGen allele CA353111896.